The following is an entry in ClinVar:

NM_001162501.2(TNRC6B):c.5114+10C>T

Gene: TNRC6B (trinucleotide repeat containing adaptor 6B; plus strand). Cytogenetic location: 22q13.1.
Variant type: single nucleotide variant.
Coding change: c.5114+10C>T on transcript NM_001162501.2 (MANE Select); 10 bases into the intron after coding-DNA position 5114, C replaced by T.
Molecular consequence: intron variant.
Genome position (GRCh38, 1-based): chr22:40,321,239, C>T. VCF-style: chr22-40321239-C-T. GRCh37 (hg19) VCF-style: chr22-40717243-C-T.
Other names: c.2702+10C>T (NM_001024843.2); c.4784+10C>T (NM_015088.3).
Identifiers: ClinVar variation 2653189 (VCV002653189.24), dbSNP rs115041661, ClinGen allele CA10247454.

ClinVar aggregate classification (germline): Benign (1 of 4 stars; one submission).

Allele frequency attached by ClinVar (database versions not stated): gnomAD exomes 0.00046; ExAC 0.00117; gnomAD 0.00352; TOPMed 0.00380; ESP Exome Variant Server 0.00414; 1000 Genomes Project 0.00439; 1000 Genomes Project 30x 0.00468.
gnomAD v4.1: 1,231 of 1,613,134 alleles (0.076%); highest among the groups gnomAD compares: African/African-American, 1.2%; 8 homozygotes.

Submission:

CeGaT Center for Human Genetics Tuebingen
Classification: Benign. Last evaluated: 2023-03-01. Review status: criteria provided, single submitter. Criteria: CeGaT Center For Human Genetics Tuebingen Variant Classification Criteria Version 2. Collection method: clinical testing. Allele origin: germline. Affected: yes. Observed: 3 variant alleles.
Comment: TNRC6B: BS1, BS2